The following is an entry in ClinVar:

ClinVar aggregate classification (germline): Likely benign. Review status: criteria provided, multiple submitters, no conflicts (2 of 4 stars). 2 submissions from 2 submitters: Likely benign (2). Last evaluated 2025-12-30.

Conditions:
Leukocyte adhesion deficiency 1 (LAD1). Also called: LEUKOCYTE ADHESION DEFICIENCY, TYPE I; LAD 1; Lymphocyte function-associated antigen 1 immunodeficiency; LFA 1 immunodeficiency. Identifiers: Orphanet 2968, Orphanet 99842, MedGen C0398738, MONDO:0007293, OMIM 116920.

Allele frequency attached by ClinVar (database versions not stated): gnomAD 0.00006 and 0.00008; TOPMed 0.00009; ESP Exome Variant Server 0.00015; gnomAD exomes 0.00021; ExAC 0.00026.
gnomAD v4.1: 184 of 1,613,940 alleles (0.011%); highest among the groups gnomAD compares: South Asian, 0.071%; 1 homozygote.

Submissions (2):

Labcorp Genetics (formerly Invitae), Labcorp
Classification: Likely benign for Leukocyte adhesion deficiency 1. Last evaluated: 2025-12-30. Review status: criteria provided, single submitter. Criteria: Invitae Variant Classification Sherloc (09022015). Collection method: clinical testing. Allele origin: germline.

Mayo Clinic Laboratories, Mayo Clinic
Classification: Likely benign. Last evaluated: 2025-11-19. Review status: criteria provided, single submitter. Criteria: ACMG Guidelines, 2015. Collection method: clinical testing. Allele origin: germline. Observed: 1 variant allele.
Comment: BP4, BP7

NM_000211.5(ITGB2):c.924G>A (p.Ala308=)

Gene: ITGB2 (integrin subunit beta 2; minus strand). Cytogenetic location: 21q22.3.
Variant type: single nucleotide variant.
Coding change: c.924G>A on transcript NM_000211.5 (MANE Select); coding-DNA position 924, G replaced by A.
Protein change: p.Ala308=; no amino-acid change (alanine 308 retained).
Molecular consequence: synonymous variant.
Genome position (GRCh38, 1-based): chr21:44,899,136, C>T on the plus strand (G>A on the coding strand, the complement: ITGB2 is on the minus strand). VCF-style: chr21-44899136-C-T. GRCh37 (hg19) VCF-style: chr21-46319051-C-T.
Other names: p.Ala308=; c.924G>A, p.Ala308= (NM_001127491.3); c.717G>A, p.Ala239= (NM_001303238.2).
Identifiers: ClinVar variation 739994 (VCV000739994.12), dbSNP rs138698694, ClinGen allele CA10063001.